The following is an entry in ClinVar:

NM_001172509.2(SATB2):c.526C>T (p.Arg176Cys)

Gene: SATB2 (SATB homeobox 2; minus strand). Cytogenetic location: 2q33.1.
Variant type: single nucleotide variant.
Coding change: c.526C>T on transcript NM_001172509.2 (MANE Select); coding-DNA position 526, C replaced by T.
Protein change: p.Arg176Cys; replaces arginine 176 with cysteine.
Molecular consequence: missense variant.
Genome position (GRCh38, 1-based): chr2:199,380,435, G>A on the plus strand (C>T on the coding strand, the complement: SATB2 is on the minus strand). VCF-style: chr2-199380435-G-A. GRCh37 (hg19) VCF-style: chr2-200245158-G-A.
Other names: c.526C>T, p.Arg176Cys (NM_001172517.1, NM_015265.4); short protein forms R176C.
Identifiers: ClinVar variation 2068883 (VCV002068883.4), dbSNP rs1367792848, ClinGen allele CA350388881.

ClinVar aggregate classification (germline): Uncertain significance (1 of 4 stars; one submission).

Conditions:
Chromosome 2q32-q33 deletion syndrome (GLASS). Also called: Glass syndrome; 2q33.1 deletion syndrome. Identifiers: Orphanet 251019, MedGen C2676739, MONDO:0012864, OMIM 612313.

Allele frequency attached by ClinVar (database versions not stated): gnomAD exomes below 0.00001.
gnomAD v4.1: 3 of 1,613,878 alleles (0.00019%); highest among the groups gnomAD compares: Non-Finnish European, 0.00017%; no homozygotes.

Submission:

Labcorp Genetics (formerly Invitae), Labcorp
Classification: Uncertain significance for Chromosome 2q32-q33 deletion syndrome. Last evaluated: 2022-01-01. Review status: criteria provided, single submitter. Criteria: Invitae Variant Classification Sherloc (09022015). Collection method: clinical testing. Allele origin: germline.
Comment: In summary, the available evidence is currently insufficient to determine the role of this variant in disease. Therefore, it has been classified as a Variant of Uncertain Significance. Advanced modeling of protein sequence and biophysical properties (such as structural, functional, and spatial information, amino acid conservation, physicochemical variation, residue mobility, and thermodynamic stability) performed at Invitae indicates that this missense variant is expected to disrupt SATB2 protein function. This variant has not been reported in the literature in individuals affected with SATB2-related conditions. This variant is present in population databases (no rsID available, gnomAD 0.0009%). This sequence change replaces arginine, which is basic and polar, with cysteine, which is neutral and slightly polar, at codon 176 of the SATB2 protein (p.Arg176Cys).